The following is an entry in ClinVar:

ClinVar aggregate classification (germline): Likely benign. Review status: criteria provided, multiple submitters, no conflicts (2 of 4 stars). 4 submissions from 3 submitters: Likely benign (4). Last evaluated 2025-12-30.

Conditions:
Developmental and epileptic encephalopathy, 14 (DEE14). Also called: Early infantile epileptic encephalopathy 14. Identifiers: Orphanet 293181, MedGen C3554195, MONDO:0013989, OMIM 614959.
Autosomal dominant nocturnal frontal lobe epilepsy 5. Also called: KCNT1-Related Epilepsy; CILIARY DYSKINESIA, PRIMARY, 28, WITHOUT SITUS INVERSUS; CILIARY DYSKINESIA, PRIMARY, 28, WITH SITUS INVERSUS; Epilepsy, nocturnal frontal lobe, 5. Identifiers: Orphanet 98784, MedGen C3554306, MONDO:0014002, OMIM 615005.

Allele frequency attached by ClinVar (database versions not stated): gnomAD exomes 0.00009; ExAC 0.00012; ESP Exome Variant Server 0.00023; gnomAD 0.00029 and 0.00030; TOPMed 0.00034; 1000 Genomes Project 0.00040; 1000 Genomes Project 30x 0.00062.
gnomAD v4.1: 100 of 1,605,872 alleles (0.0062%); highest among the groups gnomAD compares: African/African-American, 0.096%; no homozygotes.

Submissions (4):

Labcorp Genetics (formerly Invitae), Labcorp
Classification: Likely benign for Autosomal dominant nocturnal frontal lobe epilepsy 5; Developmental and epileptic encephalopathy, 14. Last evaluated: 2025-12-30. Review status: criteria provided, single submitter. Criteria: Invitae Variant Classification Sherloc (09022015). Collection method: clinical testing. Allele origin: germline.

Genome-Nilou Lab
Classification: Likely benign for Developmental and epileptic encephalopathy, 14. Last evaluated: 2022-03-15. Review status: criteria provided, single submitter. Criteria: ACMG Guidelines, 2015. Collection method: clinical testing. Allele origin: germline. Affected: no.

Genome-Nilou Lab
Classification: Likely benign for Autosomal dominant nocturnal frontal lobe epilepsy 5. Last evaluated: 2022-03-15. Review status: criteria provided, single submitter. Criteria: ACMG Guidelines, 2015. Collection method: clinical testing. Allele origin: germline. Affected: no.

GeneDx
Classification: Likely benign. Last evaluated: 2017-06-21. Review status: criteria provided, single submitter. Criteria: GeneDx Variant Classification (06012015). Collection method: clinical testing. Allele origin: germline. Affected: yes.
Comment: This variant is considered likely benign or benign based on one or more of the following criteria: it is a conservative change, it occurs at a poorly conserved position in the protein, it is predicted to be benign by multiple in silico algorithms, and/or has population frequency not consistent with disease.

NM_020822.3(KCNT1):c.2008+7C>T

Gene: KCNT1 (potassium sodium-activated channel subfamily T member 1; plus strand). Cytogenetic location: 9q34.3.
Variant type: single nucleotide variant.
Coding change: c.2008+7C>T on transcript NM_020822.3 (MANE Select); 7 bases into the intron after coding-DNA position 2008, C replaced by T.
Molecular consequence: intron variant.
Genome position (GRCh38, 1-based): chr9:135,771,102, C>T. VCF-style: chr9-135771102-C-T. GRCh37 (hg19) VCF-style: chr9-138662948-C-T.
Other names: c.1873+7C>T (NM_001272003.2).
Identifiers: ClinVar variation 389334 (VCV000389334.13), dbSNP rs372707698, ClinGen allele CA5327144.
Genomic context (GRCh38, chr9:135,771,102, plus strand): 5'-GGCTGCACGAGGGTCCGGCCCGCCTGCCCGTGCACAGCATCATCGCCTCCATGGGTGAGC[C>T]GGGACAGGCGCGCGGGACTCCCTGGGCCTGCTCCTTTGGCGGGAGACCAGGCGGGACACC-3'